The following is an entry in ClinVar:

ClinVar aggregate classification (germline): Conflicting classifications of pathogenicity. Review status: criteria provided, conflicting classifications (1 of 4 stars). 4 submissions from 4 submitters: Likely pathogenic (2); Uncertain significance (2). Last evaluated 2026-03-12.

Conditions:
TPO-related disorder. Also called: TPO-related condition.
Deficiency of iodide peroxidase (TDH2A). Also called: HYPOTHYROIDISM, CONGENITAL, DUE TO DYSHORMONOGENESIS, 2A; IODIDE PEROXIDASE DEFICIENCY; THYROID HORMONOGENESIS, GENETIC DEFECT IN, 2A; THYROID PEROXIDASE DEFICIENCY; Thyroid dyshormonogenesis 2A. Identifiers: Orphanet 95716, MedGen C1291299, MONDO:0010133, OMIM 274500.

gnomAD v4.1: 78 of 1,613,244 alleles (0.0048%); highest among the groups gnomAD compares: African/African-American, 0.069%; no homozygotes.

Submissions (4):

Women's Health and Genetics/Laboratory Corporation of America, LabCorp
Classification: Likely pathogenic for Deficiency of iodide peroxidase. Last evaluated: 2026-03-12. Review status: criteria provided, single submitter. Criteria: LabCorp Variant Classification Summary - May 2015. Collection method: clinical testing. Allele origin: germline.
Comment: Variant summary: TPO c.1751G>A (p.Arg584Gln) results in a conservative amino acid change in the encoded protein sequence. Algorithms developed to predict the effect of missense changes on protein structure and function are either unavailable or do not agree on the potential impact of this missense change. The variant allele was found at a frequency of 6e-05 in 251340 control chromosomes. This frequency is not significantly higher than estimated for disease-causing variants in TPO, allowing no conclusion about variant significance. c.1751G>A has been observed segregating with disease in the homozygous state in 2 related individuals affected with Congenital Hypothyroidism (Nicholas_2016, Makretskaya_2018) and in individual(s) with unspecified rare disease (Stranneheim_2021). These data indicate that the variant is likely to be associated with disease. To our knowledge, no experimental evidence demonstrating an impact on protein function has been reported. The following publications have been ascertained in the context of this evaluation (PMID: 30240412, 27525530, 33726816, 35507000, 33298898). ClinVar contains an entry for this variant (Variation ID: 3340330). Based on the evidence outlined above, the variant was classified as likely pathogenic.

PreventionGenetics, part of Exact Sciences
Classification: Uncertain significance for TPO-related condition. Last evaluated: 2024-10-22. Review status: criteria provided, single submitter. Criteria: ACMG Guidelines, 2015. Collection method: clinical testing. Allele origin: germline.
Comment: The TPO c.1751G>A variant is predicted to result in the amino acid substitution p.Arg584Gln. This variant has been reported in the heterozygous and homozygous state in individuals with congenital hypothyroidism, but no genetic or functional studies were performed to help assess its pathogenicity (Nicholas et al. 2016. PubMed ID: 27525530; Makretskaya et al. 2018. PubMed ID: 30240412). This variant has also been reported along with a second TPO variant in a cohort referred for clinical diagnostic testing; however, detailed clinical information about these individuals was not provided (Stranneheim et al. 2021. PubMed ID: 33726816). This variant is reported in 0.076% of alleles in individuals of African descent in gnomAD. Although we suspect that this variant may be pathogenic, at this time, the clinical significance of this variant is uncertain due to the absence of conclusive functional and genetic evidence.

GeneDx
Classification: Uncertain significance. Last evaluated: 2024-02-21. Review status: criteria provided, single submitter. Criteria: GeneDx Variant Classification Process June 2021. Collection method: clinical testing. Allele origin: germline. Affected: yes.
Comment: In silico analysis supports that this missense variant has a deleterious effect on protein structure/function; This variant is associated with the following publications: (PMID: 27525530, 30240412, 33726816)

Clinical Genetics Service, Universitary Hospital 12 de Octubre
Classification: Likely pathogenic for Deficiency of iodide peroxidase. Review status: criteria provided, single submitter. Criteria: ACMG Guidelines, 2015. Collection method: clinical testing. Allele origin: paternal. Affected: yes.

Literature cited by the submitters: PubMed 30240412 (cited by Women's Health and Genetics/Laboratory Corporation of America, LabCorp); PubMed 33726816 (cited by Women's Health and Genetics/Laboratory Corporation of America, LabCorp); PubMed 27525530 (cited by Women's Health and Genetics/Laboratory Corporation of America, LabCorp); PubMed 33298898 (cited by Women's Health and Genetics/Laboratory Corporation of America, LabCorp); PubMed 35507000 (cited by Women's Health and Genetics/Laboratory Corporation of America, LabCorp).

NM_001206744.2(TPO):c.1751G>A (p.Arg584Gln)

Genes: LALTOP (lung cancer associated lncRNA targeting TOP2A; minus strand), TPO (thyroid peroxidase; plus strand). Cytogenetic location: 2p25.3.
Variant type: single nucleotide variant.
Coding change: c.1751G>A on transcript NM_001206744.2 (MANE Select); coding-DNA position 1751, G replaced by A.
Protein change: p.Arg584Gln; replaces arginine 584 with glutamine.
Molecular consequence: missense variant. On other transcripts: intron variant (2).
Genome position (GRCh38, 1-based): chr2:1,487,974, G>A. VCF-style: chr2-1487974-G-A. GRCh37 (hg19) VCF-style: chr2-1491746-G-A.
Other names: c.1751G>A, p.Arg584Gln (NM_000547.6, NM_175721.3); c.1232G>A, p.Arg411Gln (NM_175722.3); c.1597+3120G>A (NM_175719.4, NM_001206745.2); short protein forms R411Q, R584Q.
Identifiers: ClinVar variation 3340330 (VCV003340330.4).
Genomic context (GRCh38, chr2:1,487,974, plus strand): 5'-TCTTTGTGCTGTCCAATTCCAGCACCTTGGATCTGGCGTCCATCAACCTGCAGAGGGGCC[G>A]GGACCACGGGCTGCCAGGTCTGCCAGTTCCTTCCCTTGCACACCTCATGCAGCTGCTGCG-3'
Protein context (NP_001193673.1, residues 574-594): DLASINLQRG[Arg584Gln]DHGLPGYNEW